The following is an entry in ClinVar:

NM_003072.5(SMARCA4):c.3821C>T (p.Thr1274Ile)

Gene: SMARCA4 (SWI/SNF related BAF chromatin remodeling complex subunit ATPase 4; plus strand). Cytogenetic location: 19p13.2.
Variant type: single nucleotide variant.
Coding change: c.3821C>T on transcript NM_003072.5 (MANE Select); coding-DNA position 3821, C replaced by T.
Protein change: p.Thr1274Ile; replaces threonine 1274 with isoleucine.
Molecular consequence: missense variant. On other transcripts: intron variant (5).
Genome position (GRCh38, 1-based): chr19:11,033,813, C>T. VCF-style: chr19-11033813-C-T. GRCh37 (hg19) VCF-style: chr19-11144489-C-T.
Other names: c.3821C>T, p.Thr1274Ile (NM_001128844.3, NM_001128849.3, NM_001387283.1); c.3774+296C>T (NM_001128847.4, NM_001374457.1, NM_001128845.2 and 2 more transcripts); short protein forms T1274I.
Identifiers: ClinVar variation 1735271 (VCV001735271.2), dbSNP rs2146666520, ClinGen allele CA404066615.
Genomic context (GRCh38, chr19:11,033,813, plus strand): 5'-CTATTTATCCACAGAGCAGACACTGCAGCACGGGCAGCGGCAGTGCCAGCTTCGCCCACA[C>T]TGCCCCTCCGCCAGCGGGCGTCAACCCCGACTTGGAGGAGCCACCTCTAAAGGTGAGAGG-3'
Protein context (NP_003063.2, residues 1264-1284): TGSGSASFAH[Thr1274Ile]APPPAGVNPD

ClinVar aggregate classification (germline): Uncertain significance (1 of 4 stars; one submission).

Conditions:
Hereditary cancer-predisposing syndrome. Also called: Neoplastic Syndromes, Hereditary; Tumor predisposition; Hereditary Cancer Syndrome; Hereditary neoplastic syndrome. Identifiers: Orphanet 140162, MedGen C0027672, MeSH D009386, MONDO:0015356.

Submission:

Ambry Genetics
Classification: Uncertain significance for Hereditary cancer-predisposing syndrome. Last evaluated: 2021-07-02. Review status: criteria provided, single submitter. Criteria: Ambry Variant Classification Scheme 2023. Collection method: clinical testing. Allele origin: germline.
Comment: The p.T1274I variant (also known as c.3821C>T), located in coding exon 26 of the SMARCA4 gene, results from a C to T substitution at nucleotide position 3821. The threonine at codon 1274 is replaced by isoleucine, an amino acid with similar properties. This amino acid position is highly conserved in available vertebrate species. In addition, this alteration is predicted to be tolerated by in silico analysis. Missense and in-frame variants in SMARCA4 are known to cause neurodevelopmental disorders; however, such associations with rhabdoid tumor predisposition syndrome including small cell carcinoma of the ovary-hypercalcemic type (SCCOHT) are exceedingly rare (Kosho T et al. Am J Med Genet C Semin Med Genet. 2014 Sep;166C(3):262-75; Jelinic P et al. Nat Genet. 2014 May;46(5):424-6). Based on the supporting evidence, the association of this alteration with Coffin-Siris syndrome is unknown; however, the association of this alteration with rhabdoid tumor predisposition syndrome is unlikely.